The following is an entry in ClinVar:

NM_000321.3(RB1):c.1960+10T>A

Gene: RB1 (RB transcriptional corepressor 1; plus strand). Cytogenetic location: 13q14.2.
Variant type: single nucleotide variant.
Coding change: c.1960+10T>A on transcript NM_000321.3 (MANE Select); 10 bases into the intron after coding-DNA position 1960, T replaced by A.
Molecular consequence: intron variant.
Genome position (GRCh38, 1-based): chr13:48,456,359, T>A. VCF-style: chr13-48456359-T-A. GRCh37 (hg19) VCF-style: chr13-49030495-T-A.
Identifiers: ClinVar variation 1618873 (VCV001618873.9), dbSNP rs2138331743, ClinGen allele CA2573149586.

ClinVar aggregate classification (germline): Likely benign. Review status: criteria provided, multiple submitters, no conflicts (2 of 4 stars). 2 submissions from 2 submitters: Likely benign (2). Last evaluated 2026-06-22.

Conditions:
Retinoblastoma (RB1). Also called: RETINOBLASTOMA, SOMATIC. Identifiers: Orphanet 790, MedGen C0035335, MeSH D012175, MONDO:0008380, OMIM 180200, HP:0009919. Disease mechanism: loss of function. Inheritance: Both sporadic and heritable forms are tested..

Submissions (2):

Myriad Genetics, Inc.
Classification: Likely benign for Retinoblastoma. Last evaluated: 2026-06-22. Review status: criteria provided, single submitter. Criteria: Myriad Autosomal Dominant, Autosomal Recessive and X-Linked Classification Criteria (2023). Collection method: clinical testing. Allele origin: unknown.
Comment: This variant is considered likely benign. This variant is intronic and is not expected to impact mRNA splicing.

Labcorp Genetics (formerly Invitae), Labcorp
Classification: Likely benign for Retinoblastoma. Last evaluated: 2021-05-13. Review status: criteria provided, single submitter. Criteria: Invitae Variant Classification Sherloc (09022015). Collection method: clinical testing. Allele origin: germline.